The following is an entry in ClinVar:

ClinVar aggregate classification (germline): Uncertain significance (1 of 4 stars; one submission).

Submission:

Ambry Genetics
Classification: Uncertain significance. Last evaluated: 2025-05-07. Review status: criteria provided, single submitter. Criteria: Ambry Variant Classification Scheme 2023. Collection method: clinical testing. Allele origin: germline.
Comment: The p.G368R variant (also known as c.1102G>A), located in coding exon 8 of the ATRIP gene, results from a G to A substitution at nucleotide position 1102. The glycine at codon 368 is replaced by arginine, an amino acid with dissimilar properties. This amino acid position is conserved. In addition, this alteration is predicted to be tolerated by in silico analysis. Based on the available evidence, the clinical significance of this variant remains unclear.

NM_130384.3(ATRIP):c.1102G>A (p.Gly368Arg)

Genes: ATRIP (ATR interacting protein; plus strand), ATRIP-TREX1 (ATRIP-TREX1 readthrough; plus strand). Cytogenetic location: 3p21.31.
Variant type: single nucleotide variant.
Coding change: c.1102G>A on transcript NM_130384.3 (MANE Select); coding-DNA position 1102, G replaced by A.
Protein change: p.Gly368Arg; replaces glycine 368 with arginine.
Molecular consequence: missense variant. On other transcripts: non-coding transcript variant (1).
Genome position (GRCh38, 1-based): chr3:48,460,156, G>A. VCF-style: chr3-48460156-G-A. GRCh37 (hg19) VCF-style: chr3-48501555-G-A.
Other names: c.721G>A, p.Gly241Arg (NM_001271022.2); c.823G>A, p.Gly275Arg (NM_001271023.2); c.1102G>A, p.Gly368Arg (NM_032166.4); short protein forms G275R, G241R, G368R.
Identifiers: ClinVar variation 3976465 (VCV003976465.1).